The following is an entry in ClinVar:

NM_020458.4(TTC7A):c.142A>G (p.Arg48Gly)

Genes: MCFD2 (multiple coagulation factor deficiency 2, ER cargo receptor complex subunit; minus strand), TTC7A (tetratricopeptide repeat domain 7A; plus strand). Cytogenetic location: 2p21.
Variant type: single nucleotide variant.
Coding change: c.142A>G on transcript NM_020458.4 (MANE Select); coding-DNA position 142, A replaced by G.
Protein change: p.Arg48Gly; replaces arginine 48 with glycine.
Molecular consequence: missense variant. On other transcripts: 5 prime UTR variant (3), intron variant (1).
Genome position (GRCh38, 1-based): chr2:46,941,683, A>G. VCF-style: chr2-46941683-A-G. GRCh37 (hg19) VCF-style: chr2-47168822-A-G.
Other names: c.142A>G, p.Arg48Gly (NM_001288951.2); c.-763A>G (NM_001288955.2); c.-118T>C (NM_001171508.2); c.-20T>C (NM_001171511.3); c.83-8680A>G (NM_001288953.2); short protein forms R48G.
Identifiers: ClinVar variation 626201 (VCV000626201.8), dbSNP rs557981380, ClinGen allele CA1647036.
Genomic context (GRCh38, chr2:46,941,683, plus strand): 5'-CGCATGCCGGAGCTGGTCCGGCAGCTGCAGACGCTGAGCATGCCCGGCGGCGGAGGTAAC[A>G]GGCGAGGCAGCCCGAGCGCAGCGTTCACCTTTCCGGACACCGGTGAGTAAGGGAAGAGGC-3'
Protein context (NP_065191.2, residues 38-58): TLSMPGGGGN[Arg48Gly]RGSPSAAFTF

ClinVar aggregate classification (germline): Uncertain significance. Review status: criteria provided, multiple submitters, no conflicts (2 of 4 stars). 4 submissions from 3 submitters: Uncertain significance (4). Last evaluated 2025-01-06.

Conditions:
Gastrointestinal defects and immunodeficiency syndrome 1 (GIDID1). Also called: Combined immunodeficiency-enteropathy spectrum. Identifiers: Orphanet 436252, MedGen C5968858, MONDO:0800030, OMIM 243150.
Inborn genetic diseases. Identifiers: MedGen C0950123, MeSH D030342.
Multiple gastrointestinal atresias. Also called: Multiple intestinal atresia; FAMILIAL INTESTINAL POLYATRESIA SYNDROME. Identifiers: Orphanet 2300, MedGen C0220744, MONDO:0009465.

Allele frequency attached by ClinVar (database versions not stated): ExAC below 0.00001; gnomAD 0.00001; TOPMed 0.00003; 1000 Genomes Project 30x 0.00031; gnomAD exomes below 0.00001; 1000 Genomes Project 0.00020.

Submissions (4):

Labcorp Genetics (formerly Invitae), Labcorp
Classification: Uncertain significance for Multiple gastrointestinal atresias. Last evaluated: 2025-01-06. Review status: criteria provided, single submitter. Criteria: Invitae Variant Classification Sherloc (09022015). Collection method: clinical testing. Allele origin: germline.
Comment: This sequence change replaces arginine, which is basic and polar, with glycine, which is neutral and non-polar, at codon 48 of the TTC7A protein (p.Arg48Gly). This variant is not present in population databases (gnomAD no frequency). This variant has not been reported in the literature in individuals affected with TTC7A-related conditions. ClinVar contains an entry for this variant (Variation ID: 626201). An algorithm developed to predict the effect of missense changes on protein structure and function (PolyPhen-2) suggests that this variant¬†is likely to be tolerated. In summary, the available evidence is currently insufficient to determine the role of this variant in disease. Therefore, it has been classified as a Variant of Uncertain Significance.

Ambry Genetics
Classification: Uncertain significance for Inborn genetic diseases. Last evaluated: 2024-06-18. Review status: criteria provided, single submitter. Criteria: Ambry Variant Classification Scheme 2023. Collection method: clinical testing. Allele origin: germline.

Center for Genomics, Ann and Robert H. Lurie Children's Hospital of Chicago
Classification: Uncertain significance for Gastrointestinal defects and immunodeficiency syndrome 1. Last evaluated: 2021-03-30. Review status: criteria provided, single submitter. Criteria: ACMG Guidelines, 2015. Collection method: clinical testing. Allele origin: germline.
Comment: TTC7A NM_001288951.1 exon1 p.Arg48Gly (c.142A>G):This variant has not been reported in the literature and is not present in large control databases. Evolutionary conservation and computational predictive tools suggest that this variant may not impact the protein. In summary, data on this variant is insufficient for disease classification. Therefore, the clinical significance of this variant is uncertain.

Center for Genomics, Ann and Robert H. Lurie Children's Hospital of Chicago
Classification: Uncertain significance for Gastrointestinal defects and immunodeficiency syndrome 1. Last evaluated: 2018-05-18. Review status: criteria provided, single submitter. Criteria: ACMG Guidelines, 2015. Collection method: clinical testing. Allele origin: germline.
Comment: TTC7A NM_020458.3 exon1 p.Arg48Gly (c.142A>G):This variant has not been reported in the literature and is not present in large control databases. Evolutionary conservation and computational predictive tools suggest that this variant may not impact the protein. In summary, data on this variant is insufficient for disease classification. Therefore, the clinical significance of this variant is uncertain.